The following is an entry in ClinVar:

ClinVar aggregate classification (germline): Likely benign (1 of 4 stars; one submission).

Allele frequency attached by ClinVar (database versions not stated): ExAC 0.00002; gnomAD 0.00002; gnomAD exomes 0.00005; ESP Exome Variant Server 0.00008.

Submission:

CeGaT Center for Human Genetics Tuebingen
Classification: Likely benign. Last evaluated: 2023-11-01. Review status: criteria provided, single submitter. Criteria: CeGaT Center For Human Genetics Tuebingen Variant Classification Criteria Version 2. Collection method: clinical testing. Allele origin: germline. Affected: yes. Observed: 1 variant allele.
Comment: CRELD1: BP4, BP7

NM_001077415.3(CRELD1):c.561C>T (p.Tyr187=)

Gene: CRELD1 (CRELD disulfide isomerase 1; plus strand). Cytogenetic location: 3p25.3.
Variant type: single nucleotide variant.
Coding change: c.561C>T on transcript NM_001077415.3 (MANE Select); coding-DNA position 561, C replaced by T.
Protein change: p.Tyr187=; no amino-acid change (tyrosine 187 retained).
Molecular consequence: synonymous variant. On other transcripts: non-coding transcript variant (3).
Genome position (GRCh38, 1-based): chr3:9,940,950, C>T. VCF-style: chr3-9940950-C-T. GRCh37 (hg19) VCF-style: chr3-9982634-C-T.
Other names: c.561C>T, p.Tyr187= (NM_001031717.4, NM_001374316.1, NM_001374317.1 and 5 more transcripts).
Identifiers: ClinVar variation 2672927 (VCV002672927.23), dbSNP rs146750560, ClinGen allele CA2247730.